The following is an entry in ClinVar:

NM_000059.4(BRCA2):c.4481G>C (p.Ser1494Thr)

Gene: BRCA2 (BRCA2 DNA repair associated; plus strand). Cytogenetic location: 13q13.1.
Variant type: single nucleotide variant.
Coding change: c.4481G>C on transcript NM_000059.4 (MANE Select); coding-DNA position 4481, G replaced by C.
Protein change: p.Ser1494Thr; replaces serine 1494 with threonine.
Molecular consequence: missense variant.
Genome position (GRCh38, 1-based): chr13:32,338,836, G>C. VCF-style: chr13-32338836-G-C. GRCh37 (hg19) VCF-style: chr13-32912973-G-C.
Other names: short protein forms S1494T.
Identifiers: ClinVar variation 824927 (VCV000824927.6), dbSNP rs1593902517, ClinGen allele CA387781505.

ClinVar aggregate classification (germline): Conflicting classifications of pathogenicity. Review status: criteria provided, conflicting classifications (1 of 4 stars). 2 submissions from 2 submitters: Uncertain significance (1); Likely benign (1). Last evaluated 2023-03-23.

Conditions:
Hereditary cancer-predisposing syndrome. Also called: Neoplastic Syndromes, Hereditary; Tumor predisposition; Hereditary neoplastic syndrome; Hereditary Cancer Syndrome. Identifiers: Orphanet 140162, MedGen C0027672, MeSH D009386, MONDO:0015356.

Submissions (2):

University of Washington Department of Laboratory Medicine, University of Washington
Classification: Likely benign for Hereditary cancer-predisposing syndrome. Last evaluated: 2023-03-23. Review status: criteria provided, single submitter. Criteria: Dines et al. (Genet Med. 2020). Collection method: curation. Allele origin: germline.
Comment: Missense variant in a coldspot region where missense variants are very unlikely to be pathogenic (PMID:31911673).

BRCA2 exon 11 coldspot. Reclassification based on statistical prior probability.

Ambry Genetics
Classification: Uncertain significance for Hereditary cancer-predisposing syndrome. Last evaluated: 2018-08-13. Review status: criteria provided, single submitter. Criteria: Ambry Variant Classification Scheme 2023. Collection method: clinical testing. Allele origin: germline.
Comment: The p.S1494T variant (also known as c.4481G>C), located in coding exon 10 of the BRCA2 gene, results from a G to C substitution at nucleotide position 4481. The serine at codon 1494 is replaced by threonine, an amino acid with similar properties. This amino acid position is poorly conserved in available vertebrate species. In addition, this alteration is predicted to be tolerated by in silico analysis. Since supporting evidence is limited at this time, the clinical significance of this alteration remains unclear.